The following is an entry in ClinVar:

NM_024570.4(RNASEH2B):c.35G>A (p.Gly12Asp)

Genes: RNASEH2B (ribonuclease H2 subunit B; plus strand), RNASEH2B-AS1 (RNASEH2B antisense RNA 1; minus strand), LOC130009810 (ATAC-STARR-seq lymphoblastoid silent region 5362; plus strand). Cytogenetic location: 13q14.3.
Variant type: single nucleotide variant.
Coding change: c.35G>A on transcript NM_024570.4 (MANE Select); coding-DNA position 35, G replaced by A.
Protein change: p.Gly12Asp; replaces glycine 12 with aspartic acid.
Molecular consequence: missense variant.
Genome position (GRCh38, 1-based): chr13:50,910,111, G>A. VCF-style: chr13-50910111-G-A. GRCh37 (hg19) VCF-style: chr13-51484247-G-A.
Other names: c.35G>A, p.Gly12Asp (NM_001142279.2); short protein forms G12D.
Identifiers: ClinVar variation 1385763 (VCV001385763.3), dbSNP rs1237024427, ClinGen allele CA388258421.

ClinVar aggregate classification (germline): Uncertain significance (1 of 4 stars; one submission).

Conditions:
Aicardi-Goutieres syndrome 2. Identifiers: Orphanet 51, MedGen C3489724, MONDO:0012429, OMIM 610181.

Allele frequency attached by ClinVar (database versions not stated): gnomAD 0.00003 and 0.00004; TOPMed 0.00003.
gnomAD v4.1: 7 of 1,459,702 alleles (0.00048%); highest among the groups gnomAD compares: African/African-American, 0.0089%; no homozygotes.

Submission:

Labcorp Genetics (formerly Invitae), Labcorp
Classification: Uncertain significance for Aicardi-Goutieres syndrome 2. Last evaluated: 2022-04-20. Review status: criteria provided, single submitter. Criteria: Invitae Variant Classification Sherloc (09022015). Collection method: clinical testing. Allele origin: germline.
Comment: This sequence change replaces glycine, which is neutral and non-polar, with aspartic acid, which is acidic and polar, at codon 12 of the RNASEH2B protein (p.Gly12Asp). This variant is present in population databases (no rsID available, gnomAD 0.01%). This variant has not been reported in the literature in individuals affected with RNASEH2B-related conditions. Algorithms developed to predict the effect of missense changes on protein structure and function are either unavailable or do not agree on the potential impact of this missense change (SIFT: "Tolerated"; PolyPhen-2: "Not Available"; Align-GVGD: "Class C0"). In summary, the available evidence is currently insufficient to determine the role of this variant in disease. Therefore, it has been classified as a Variant of Uncertain Significance.